The following is an entry in ClinVar:

ClinVar aggregate classification (germline): Likely benign. Review status: criteria provided, multiple submitters, no conflicts (2 of 4 stars). 2 submissions from 2 submitters: Likely benign (2). Last evaluated 2025-08-23.

Conditions:
Inborn genetic diseases. Identifiers: MedGen C0950123, MeSH D030342.

Allele frequency attached by ClinVar (database versions not stated): TOPMed 0.00001; gnomAD 0.00002; ExAC 0.00008.
gnomAD v4.1: 25 of 1,592,012 alleles (0.0016%); highest among the groups gnomAD compares: East Asian, 0.0046%; no homozygotes.

Submissions (2):

Ambry Genetics
Classification: Likely benign for Inborn genetic diseases. Last evaluated: 2025-08-23. Review status: criteria provided, single submitter. Criteria: Ambry Variant Classification Scheme 2023. Collection method: clinical testing. Allele origin: germline.

CeGaT Center for Human Genetics Tuebingen
Classification: Likely benign. Last evaluated: 2022-04-01. Review status: criteria provided, single submitter. Criteria: CeGaT Center For Human Genetics Tuebingen Variant Classification Criteria Version 2. Collection method: clinical testing. Allele origin: germline. Affected: yes. Observed: 1 variant allele.
Comment: MAPK8IP3: BS2

NM_001318852.2(MAPK8IP3):c.3847G>A (p.Val1283Met)

Gene: MAPK8IP3 (mitogen-activated protein kinase 8 interacting protein 3; plus strand). Cytogenetic location: 16p13.3.
Variant type: single nucleotide variant.
Coding change: c.3847G>A on transcript NM_001318852.2 (MANE Select); coding-DNA position 3847, G replaced by A.
Protein change: p.Val1283Met; replaces valine 1283 with methionine.
Molecular consequence: missense variant.
Genome position (GRCh38, 1-based): chr16:1,768,581, G>A. VCF-style: chr16-1768581-G-A. GRCh37 (hg19) VCF-style: chr16-1818582-G-A.
Other names: c.3844G>A, p.Val1282Met (NM_015133.5, NM_033392.3); c.3826G>A, p.Val1276Met (NM_001040439.2); c.3844G>A (NM_015133.3); short protein forms V1276M, V1282M, V1283M.
Identifiers: ClinVar variation 2645941 (VCV002645941.25), dbSNP rs747724204, ClinGen allele CA7817877.